The following is an entry in ClinVar:

NM_198578.4(LRRK2):c.6580G>T (p.Val2194Phe)

Gene: LRRK2 (leucine rich repeat kinase 2; plus strand). Cytogenetic location: 12q12.
Variant type: single nucleotide variant.
Coding change: c.6580G>T on transcript NM_198578.4 (MANE Select); coding-DNA position 6580, G replaced by T.
Protein change: p.Val2194Phe; replaces valine 2194 with phenylalanine.
Molecular consequence: missense variant.
Genome position (GRCh38, 1-based): chr12:40,354,302, G>T. VCF-style: chr12-40354302-G-T. GRCh37 (hg19) VCF-style: chr12-40748104-G-T.
Other names: short protein forms V2194F.
Identifiers: ClinVar variation 2562416 (VCV002562416.2), dbSNP rs2499993131, ClinGen allele CA384408729.

ClinVar aggregate classification (germline): Uncertain significance (1 of 4 stars; one submission).

Conditions:
Inborn genetic diseases. Identifiers: MedGen C0950123, MeSH D030342.

Submission:

Ambry Genetics
Classification: Uncertain significance for Inborn genetic diseases. Last evaluated: 2023-05-26. Review status: criteria provided, single submitter. Criteria: Ambry Variant Classification Scheme 2023. Collection method: clinical testing. Allele origin: germline.
Comment: The p.V2194F variant (also known as c.6580G>T), located in coding exon 45 of the LRRK2 gene, results from a G to T substitution at nucleotide position 6580. The valine at codon 2194 is replaced by phenylalanine, an amino acid with highly similar properties. This amino acid position is conserved. In addition, the in silico prediction for this alteration is inconclusive. Since supporting evidence is limited at this time, the clinical significance of this alteration remains unclear.